The following is an entry in ClinVar:

ClinVar aggregate classification (germline): Likely benign (0 of 4 stars; one submission).

Conditions:
DMBT1-related disorder. Also called: DMBT1-related condition.

Allele frequency attached by ClinVar (database versions not stated): ESP Exome Variant Server 0.00008.
gnomAD v4.1: 133 of 1,613,668 alleles (0.0082%); highest among the groups gnomAD compares: Middle Eastern, 0.15%; 2 homozygotes.

Submission:

PreventionGenetics, part of Exact Sciences
Classification: Likely benign for DMBT1-related condition. Last evaluated: 2019-02-28. Review status: no assertion criteria provided. Collection method: clinical testing. Allele origin: germline.
Comment: This variant is classified as likely benign based on ACMG/AMP sequence variant interpretation guidelines (Richards et al. 2015 PMID: 25741868, with internal and published modifications).

NM_001377530.1(DMBT1):c.5130C>T (p.His1710=)

Gene: DMBT1 (deleted in malignant brain tumors 1; plus strand). Cytogenetic location: 10q26.13.
Variant type: single nucleotide variant.
Coding change: c.5130C>T on transcript NM_001377530.1 (MANE Select); coding-DNA position 5130, C replaced by T.
Protein change: p.His1710=; no amino-acid change (histidine 1710 retained).
Molecular consequence: synonymous variant.
Genome position (GRCh38, 1-based): chr10:122,618,255, C>T. VCF-style: chr10-122618255-C-T. GRCh37 (hg19) VCF-style: chr10-124377771-C-T.
Other names: c.4743C>T, p.His1581= (NM_001320644.2, NM_007329.3); c.2859C>T, p.His953= (NM_004406.3); c.4713C>T, p.His1571= (NM_017579.3).
Identifiers: ClinVar variation 3058837 (VCV003058837.2), dbSNP rs200418093, ClinGen allele CA5727742.